The following is an entry in ClinVar:

NM_000215.4(JAK3):c.1695C>A (p.Cys565Ter)

Gene: JAK3 (Janus kinase 3; minus strand). Cytogenetic location: 19p13.11.
Variant type: single nucleotide variant.
Coding change: c.1695C>A on transcript NM_000215.4 (MANE Select); coding-DNA position 1695, C replaced by A.
Protein change: p.Cys565Ter; replaces cysteine 565 with a stop codon.
Molecular consequence: nonsense.
Genome position (GRCh38, 1-based): chr19:17,837,938, G>T on the plus strand (C>A on the coding strand, the complement: JAK3 is on the minus strand). VCF-style: chr19-17837938-G-T. GRCh37 (hg19) VCF-style: chr19-17948747-G-T.
Other names: NM_000215.4(JAK3):c.1695C>A; p.Cys565Ter; short protein forms C565*.
Identifiers: ClinVar variation 9363 (VCV000009363.19), dbSNP rs137852625, ClinGen allele CA120303.

ClinVar aggregate classification (germline): Pathogenic. Review status: reviewed by expert panel (3 of 4 stars). 4 submissions from 4 submitters: Pathogenic (1). 3 of the submissions do not count toward it. Last evaluated 2024-06-13.

Conditions:
T-B+ severe combined immunodeficiency due to JAK3 deficiency. Also called: SCID, T CELL-NEGATIVE, B CELL-POSITIVE, NK CELL-NEGATIVE; SCID, autosomal recessive, T-negative/B-positive type. Identifiers: Orphanet 35078, MedGen C1833275, MONDO:0010938, OMIM 600802.

Allele frequency attached by ClinVar (database versions not stated): gnomAD exomes below 0.00001; ExAC 0.00001; gnomAD 0.00001; TOPMed 0.00001.
gnomAD v4.1: 7 of 1,613,862 alleles (0.00043%); highest among the groups gnomAD compares: Non-Finnish European, 0.00059%; no homozygotes.

Submissions (4):

ClinGen Severe Combined Immunodeficiency Variant Curation Expert Panel, ClinGen
Classification: Pathogenic for T-B+ severe combined immunodeficiency due to JAK3 deficiency. Last evaluated: 2024-06-13. Review status: reviewed by expert panel. Criteria: ClinGen SCID ACMG Specifications JAK3 V1.0.0. Collection method: curation. Allele origin: germline. Inheritance: Autosomal recessive inheritance.
Comment: The NM_000215.4(JAK3):c.1695C>A (p.Cys565Ter) variant in exon 11 of JH2 domain of JAK3 results in a disrupted protein product PVS1. The variant is also known as the C1790A variant (PMID 17433830). The filtering allele frequency in gnomAD v4.1.0 is 0.000002470 (7/1179982 alleles) in European (non-Finnish) population, which is lower than the ClinGen SCID VCEP threshold (<0.000115) for PM2_Supporting. Additionally, no homozygotes have been observed in gnomAD. (PM2_Supporting). At least one patient in the literature presents Diagnostic criteria for SCID (0.5pt) + Reduced cytokine-induced phosphorylation of STAT5 in patient-derived T or B cells (1pt) + No kinase activity data for this mutation PMID 14615376 PID v2 panel confirmed this mutation by NGS in Kid_6 (0.5pt). Total 2 points PP4_Moderate (PMID: 7481768). In summary, this variant meets the criteria to be classified as a Pathogenic for autosomal recessive T-B+ severe combined immunodeficiency due to JAK3 deficiency based on the ACMG/AMP criteria applied, as specified by the ClinGen SCID VCEP: PVS1, PM2_Supporting, and PP4_Moderate (VCEP specifications version 1).

CeGaT Center for Human Genetics Tuebingen
Classification: Pathogenic. Last evaluated: 2025-06-01. Review status: criteria provided, single submitter. Criteria: CeGaT Center For Human Genetics Tuebingen Variant Classification Criteria Version 2. Collection method: clinical testing. Allele origin: germline. Affected: yes. Observed: 1 variant allele. Not counted in ClinVar's aggregate classification.
Comment: JAK3: PVS1, PM3:Strong, PM2

Labcorp Genetics (formerly Invitae), Labcorp
Classification: Pathogenic for T-B+ severe combined immunodeficiency due to JAK3 deficiency. Last evaluated: 2022-04-08. Review status: criteria provided, single submitter. Criteria: Invitae Variant Classification Sherloc (09022015). Collection method: clinical testing. Allele origin: germline. Not counted in ClinVar's aggregate classification.
Comment: This sequence change creates a premature translational stop signal (p.Cys565*) in the JAK3 gene. It is expected to result in an absent or disrupted protein product. Loss-of-function variants in JAK3 are known to be pathogenic (PMID: 7481768, 11668621). For these reasons, this variant has been classified as Pathogenic. ClinVar contains an entry for this variant (Variation ID: 9363). This premature translational stop signal has been observed in individual(s) with severe combined immunodeficiency (PMID: 7481768, 27577878). This variant is not present in population databases (gnomAD no frequency).

OMIM
Classification: Pathogenic for SEVERE COMBINED IMMUNODEFICIENCY, AUTOSOMAL RECESSIVE, T CELL-NEGATIVE, B CELL-POSITIVE, NK CELL-NEGATIVE. Last evaluated: 1995-11-03. Review status: no assertion criteria provided. Collection method: literature only. Allele origin: germline. Not counted in ClinVar's aggregate classification.

Literature cited by the submitters: PubMed 7481768 (cited by Labcorp Genetics (formerly Invitae), Labcorp and OMIM); PubMed 11668621 (cited by Labcorp Genetics (formerly Invitae), Labcorp); PubMed 27577878 (cited by Labcorp Genetics (formerly Invitae), Labcorp).